The following is an entry in ClinVar:

ClinVar aggregate classification (germline): Uncertain significance (1 of 4 stars; one submission).

Conditions:
Myofibrillar myopathy 4. Also called: Zaspopathy (type). Identifiers: Orphanet 98912, MedGen C4721886, MONDO:0012277, OMIM 609452.

Submission:

Labcorp Genetics (formerly Invitae), Labcorp
Classification: Uncertain significance for Myofibrillar myopathy 4. Last evaluated: 2025-11-03. Review status: criteria provided, single submitter. Criteria: Invitae Variant Classification Sherloc (09022015). Collection method: clinical testing. Allele origin: germline.
Comment: This sequence change replaces aspartic acid, which is acidic and polar, with asparagine, which is neutral and polar, at codon 129 of the LDB3 protein (p.Asp129Asn). This variant is not present in population databases (gnomAD no frequency). This variant has not been reported in the literature in individuals affected with LDB3-related conditions. An algorithm developed to predict the effect of missense changes on protein structure and function (PolyPhen-2) suggests that this variant is likely to be tolerated. In summary, the available evidence is currently insufficient to determine the role of this variant in disease. Therefore, it has been classified as a Variant of Uncertain Significance.

NM_001368067.1(LDB3):c.385G>A (p.Asp129Asn)

Genes: LDB3 (LIM domain binding 3; plus strand), LOC110121486 (VISTA enhancer hs2143; plus strand). Cytogenetic location: 10q23.2.
Variant type: single nucleotide variant.
Coding change: c.385G>A on transcript NM_001368067.1 (MANE Plus Clinical); coding-DNA position 385, G replaced by A.
Protein change: p.Asp129Asn; replaces aspartic acid 129 with asparagine.
Molecular consequence: missense variant. On other transcripts: intron variant (5).
Genome position (GRCh38, 1-based): chr10:86,687,109, G>A. VCF-style: chr10-86687109-G-A. GRCh37 (hg19) VCF-style: chr10-88446866-G-A.
Other names: c.385G>A, p.Asp129Asn (NM_001080114.2, NM_001080116.1, NM_001368066.1 and 1 more transcripts); c.730G>A, p.Asp244Asn (NM_001171610.2, NM_001171611.2); c.690-4787G>A (NM_001368064.1, NM_001368063.1, NM_007078.3 and 2 more transcripts); short protein forms D244N, D129N.
Identifiers: ClinVar variation 4695395 (VCV004695395.1).
Genomic context (GRCh38, chr10:86,687,109, plus strand): 5'-CTCCCGCACCCCTCCCCCAGCGCCGACTACCAGGAACGCTTCAACCCCAGTGCCCTGAAG[G>A]ACTCGGCCCTGTCCACCCACAAGCCCATCGAGGTGAAGGGGCTGGGCGGCAAGGCCACCA-3'
Protein context (NP_001354996.1, residues 119-139): QERFNPSALK[Asp129Asn]SALSTHKPIE